The following is an entry in ClinVar:

ClinVar aggregate classification (germline): Uncertain significance. Review status: criteria provided, multiple submitters, no conflicts (2 of 4 stars). 2 submissions from 2 submitters: Uncertain significance (2). Last evaluated 2024-06-30.

Conditions:
Hereditary cancer-predisposing syndrome. Also called: Tumor predisposition; Neoplastic Syndromes, Hereditary; Hereditary Cancer Syndrome; Hereditary neoplastic syndrome. Identifiers: Orphanet 140162, MedGen C0027672, MeSH D009386, MONDO:0015356.
Fanconi anemia complementation group J. Also called: BRIP1-Related Fanconi Anemia. Identifiers: Orphanet 84, MedGen C1836860, MONDO:0012187, OMIM 609054.
Familial cancer of breast. Also called: BREAST CANCER, FAMILIAL; Hereditary breast cancer; hereditary breast carcinoma. Identifiers: Orphanet 227535, MedGen C0346153, MONDO:0016419, OMIM 114480. Disease mechanism: loss of function.

Submissions (2):

Labcorp Genetics (formerly Invitae), Labcorp
Classification: Uncertain significance for Familial cancer of breast; Fanconi anemia complementation group J. Last evaluated: 2024-06-30. Review status: criteria provided, single submitter. Criteria: Invitae Variant Classification Sherloc (09022015). Collection method: clinical testing. Allele origin: germline.
Comment: This sequence change replaces glycine, which is neutral and non-polar, with tyrosine, which is neutral and polar, at codon 628 of the BRIP1 protein (p.Gly628Tyr). Information on the frequency of this variant in the gnomAD database is not available, as this variant may be reported differently in the database. This variant has not been reported in the literature in individuals affected with BRIP1-related conditions. ClinVar contains an entry for this variant (Variation ID: 479425). An algorithm developed to predict the effect of missense changes on protein structure and function (PolyPhen-2) suggests that this variant is likely to be disruptive. In summary, the available evidence is currently insufficient to determine the role of this variant in disease. Therefore, it has been classified as a Variant of Uncertain Significance.

Ambry Genetics
Classification: Uncertain significance for Hereditary cancer-predisposing syndrome. Last evaluated: 2016-03-18. Review status: criteria provided, single submitter. Criteria: Ambry Variant Classification Scheme 2023. Collection method: clinical testing. Allele origin: germline.
Comment: The c.1882_1883delGGinsTA variant (also known as p.G628Y), located in coding exon 12 of the BRIP1 gene, results from a deletion of GG and insertion of TA at nucleotide positions 1882 and 1883. The glycine at codon 628 is replaced by tyrosine, an amino acid with dissimilar properties. This variant was not reported in population based cohorts in the following databases: Database of Single Nucleotide Polymorphisms (dbSNP), NHLBI Exome Sequencing Project (ESP), and 1000 Genomes Project. In the ESP, this variant was not observed in 6503 samples (13006 alleles) with coverage at this position. To date, this alteration has been detected with an allele frequency of approximately 0.001% (greater than 120000 alleles tested) in our clinical cohort. These nucleotide positions are highly conserved in available vertebrate species. Since supporting evidence is limited at this time, the clinical significance of this alteration remains unclear.

NM_032043.3(BRIP1):c.1882_1883delinsTA (p.Gly628Tyr)

Gene: BRIP1 (BRCA1 interacting DNA helicase 1; minus strand). Cytogenetic location: 17q23.2.
Variant type: Indel.
Coding change: c.1882_1883delinsTA on transcript NM_032043.3 (MANE Select); coding-DNA positions 1882 to 1883, GG replaced by TA.
Protein change: p.Gly628Tyr; replaces glycine 628 with tyrosine.
Molecular consequence: missense variant.
Genome position (GRCh38, 1-based): chr17:61,780,313-61,780,314, CC replaced by TA on the plus strand (GG replaced by TA on the coding strand, the reverse complement: BRIP1 is on the minus strand). VCF-style: chr17-61780313-CC-TA. GRCh37 (hg19) VCF-style: chr17-59857674-CC-TA.
Other names: c.1882_1883delGGinsTA (NM_032043.2); short protein forms G628Y.
Identifiers: ClinVar variation 479425 (VCV000479425.7), dbSNP rs1555602175, ClinGen allele CA658658669.
Genomic context (GRCh38, chr17:61,780,313, plus strand): 5'-CAACTAACCTGTGAATTTTTAATGATATGATTAGCCTCCAGCTGGATAGTAAATGTAACA[CC>TA]AAGTTCTGACGAAAAGGATTTCATTGGTGATAATGTACCAGATGTCAAAACAATGGTCTG-3'
Protein context (NP_114432.2, residues 618-638): SPMKSFSSEL[Gly628Tyr]VTFTIQLEAN